The following is an entry in ClinVar:

NM_024422.6(DSC2):c.1684A>G (p.Thr562Ala)

Gene: DSC2 (desmocollin 2; minus strand). Cytogenetic location: 18q12.1.
Variant type: single nucleotide variant.
Coding change: c.1684A>G on transcript NM_024422.6 (MANE Select); coding-DNA position 1684, A replaced by G.
Protein change: p.Thr562Ala; replaces threonine 562 with alanine.
Molecular consequence: missense variant.
Genome position (GRCh38, 1-based): chr18:31,074,887, T>C on the plus strand (A>G on the coding strand, the complement: DSC2 is on the minus strand). VCF-style: chr18-31074887-T-C. GRCh37 (hg19) VCF-style: chr18-28654853-T-C.
Other names: c.1255A>G, p.Thr419Ala (NM_001406506.1, NM_001406507.1); c.1684A>G, p.Thr562Ala (NM_004949.5); c.1684A>G (NM_024422.3); short protein forms T419A, T562A.
Identifiers: ClinVar variation 3072577 (VCV003072577.2), dbSNP rs541475871, ClinGen allele CA297690999.

ClinVar aggregate classification (germline): Uncertain significance. Review status: criteria provided, multiple submitters, no conflicts (2 of 4 stars). 2 submissions from 2 submitters: Uncertain significance (2). Last evaluated 2025-04-20.

Conditions:
Familial isolated arrhythmogenic right ventricular dysplasia. Identifiers: Orphanet 217656, MedGen C4274968, MONDO:0016342.
Cardiovascular phenotype. Identifiers: MedGen CN230736.

Allele frequency attached by ClinVar (database versions not stated): gnomAD exomes 0.00001.

Submissions (2):

Ambry Genetics
Classification: Uncertain significance for Cardiovascular phenotype. Last evaluated: 2025-04-20. Review status: criteria provided, single submitter. Criteria: Ambry Variant Classification Scheme 2023. Collection method: clinical testing. Allele origin: germline.
Comment: The p.T562A variant (also known as c.1684A>G), located in coding exon 12 of the DSC2 gene, results from an A to G substitution at nucleotide position 1684. The threonine at codon 562 is replaced by alanine, an amino acid with similar properties. This amino acid position is conserved. In addition, this alteration is predicted to be tolerated by in silico analysis. Based on the available evidence, the clinical significance of this variant remains unclear.

All of Us Research Program, National Institutes of Health
Classification: Uncertain significance for Familial isolated arrhythmogenic right ventricular dysplasia. Last evaluated: 2023-08-15. Review status: criteria provided, single submitter. Criteria: ACMG Guidelines, 2015. Collection method: clinical testing. Allele origin: germline. Inheritance: Autosomal dominant inheritance. Observed: 1 variant allele, 1 heterozygote.
Comment: This study involves interpretation of variants in research participants for the purpose of population health screening. Participant phenotype was not available at the time of variant classification. Additional details can be found in publication PMID: 35346344, PMCID: PMC8962531